The following is an entry in ClinVar:

ClinVar aggregate classification (germline): Uncertain significance. Review status: criteria provided, multiple submitters, no conflicts (2 of 4 stars). 2 submissions from 2 submitters: Uncertain significance (2). Last evaluated 2025-09-28.

Conditions:
Hereditary cancer-predisposing syndrome. Also called: Tumor predisposition; Neoplastic Syndromes, Hereditary; Hereditary Cancer Syndrome; Hereditary neoplastic syndrome. Identifiers: Orphanet 140162, MedGen C0027672, MeSH D009386, MONDO:0015356.
Gastrointestinal stromal tumor. Also called: Gastrointestinal stroma tumor; Gastrointestinal stromal tumor, somatic. Identifiers: Orphanet 44890, MedGen C0238198, MeSH D046152, MONDO:0011719, OMIM 606764, HP:0100723.

Submissions (2):

Ambry Genetics
Classification: Uncertain significance for Hereditary cancer-predisposing syndrome. Last evaluated: 2025-09-28. Review status: criteria provided, single submitter. Criteria: Ambry Variant Classification Scheme 2023. Collection method: clinical testing. Allele origin: germline.
Comment: The p.P267L variant (also known as c.800C>T), located in coding exon 5 of the PDGFRA gene, results from a C to T substitution at nucleotide position 800. The proline at codon 267 is replaced by leucine, an amino acid with similar properties. This amino acid position is conserved. In addition, this alteration is predicted to be tolerated by in silico analysis. Since supporting evidence is limited at this time, the clinical significance of this alteration remains unclear.

Labcorp Genetics (formerly Invitae), Labcorp
Classification: Uncertain significance for Gastrointestinal stromal tumor. Last evaluated: 2023-03-21. Review status: criteria provided, single submitter. Criteria: Invitae Variant Classification Sherloc (09022015). Collection method: clinical testing. Allele origin: germline.
Comment: This sequence change replaces proline, which is neutral and non-polar, with leucine, which is neutral and non-polar, at codon 267 of the PDGFRA protein (p.Pro267Leu). This variant is not present in population databases (gnomAD no frequency). This variant has not been reported in the literature in individuals affected with PDGFRA-related conditions. ClinVar contains an entry for this variant (Variation ID: 1716991). Advanced modeling of protein sequence and biophysical properties (such as structural, functional, and spatial information, amino acid conservation, physicochemical variation, residue mobility, and thermodynamic stability) performed at Invitae indicates that this missense variant is not expected to disrupt PDGFRA protein function. In summary, the available evidence is currently insufficient to determine the role of this variant in disease. Therefore, it has been classified as a Variant of Uncertain Significance.

NM_006206.6(PDGFRA):c.800C>T (p.Pro267Leu)

Gene: PDGFRA (platelet derived growth factor receptor alpha; plus strand). Cytogenetic location: 4q12.
Variant type: single nucleotide variant.
Coding change: c.800C>T on transcript NM_006206.6 (MANE Select); coding-DNA position 800, C replaced by T.
Protein change: p.Pro267Leu; replaces proline 267 with leucine.
Molecular consequence: missense variant.
Genome position (GRCh38, 1-based): chr4:54,267,329, C>T. VCF-style: chr4-54267329-C-T. GRCh37 (hg19) VCF-style: chr4-55133496-C-T.
Other names: c.800C>T, p.Pro267Leu (NM_001347827.2, NM_001347829.2); c.875C>T, p.Pro292Leu (NM_001347828.2); c.839C>T, p.Pro280Leu (NM_001347830.2); short protein forms P267L, P280L, P292L.
Identifiers: ClinVar variation 1716991 (VCV001716991.8), dbSNP rs2475453069, ClinGen allele CA356891139.